The following is an entry in ClinVar:

NM_001252024.2(TRPM1):c.615G>A (p.Lys205=)

Gene: TRPM1 (transient receptor potential cation channel subfamily M member 1; minus strand). Cytogenetic location: 15q13.3.
Variant type: single nucleotide variant.
Coding change: c.615G>A on transcript NM_001252024.2 (MANE Select); coding-DNA position 615, G replaced by A.
Protein change: p.Lys205=; no amino-acid change (lysine 205 retained).
Molecular consequence: synonymous variant.
Genome position (GRCh38, 1-based): chr15:31,067,066, C>T on the plus strand (G>A on the coding strand, the complement: TRPM1 is on the minus strand). VCF-style: chr15-31067066-C-T. GRCh37 (hg19) VCF-style: chr15-31359269-C-T.
Other names: c.666G>A, p.Lys222= (NM_001252020.2); c.549G>A, p.Lys183= (NM_002420.6).
Identifiers: ClinVar variation 709475 (VCV000709475.15), dbSNP rs141363524, ClinGen allele CA7452895.
Genomic context (GRCh38, chr15:31,067,066, plus strand): 5'-CTCAAAATCAATCATTAATTTTAAAAAACTGCCAACATTTGCAGAGAAAACACTTACATC[C>T]TTTCCAACCAGGTCTTCCTTATTCTCCACGATGCCCCATGGAGCAATTCCTATAGCACAA-3'
Protein context (NP_001238953.1, residues 195-215): IVENKEDLVG[Lys205=]DVTRVYQTMS

ClinVar aggregate classification (germline): Benign/Likely benign. Review status: criteria provided, multiple submitters, no conflicts (2 of 4 stars). 3 submissions from 3 submitters: Benign (1); Likely benign (2). Last evaluated 2025-11-18.

Conditions:
Congenital stationary night blindness 1C. Also called: Night blindness, congenital stationary (complete), 1C, autosomal recessive. Identifiers: Orphanet 215, MedGen C2750747, MONDO:0013183, OMIM 613216.

Allele frequency attached by ClinVar (database versions not stated): gnomAD exomes 0.00024 and 0.00068; ExAC 0.00087; 1000 Genomes Project 0.00200; 1000 Genomes Project 30x 0.00203; ESP Exome Variant Server 0.00294; gnomAD 0.00302 and 0.00337; TOPMed 0.00346.
gnomAD v4.1: 832 of 1,614,144 alleles (0.052%); highest among the groups gnomAD compares: African/African-American, 0.99%; 3 homozygotes.

Submissions (3):

Labcorp Genetics (formerly Invitae), Labcorp
Classification: Benign. Last evaluated: 2025-11-18. Review status: criteria provided, single submitter. Criteria: Invitae Variant Classification Sherloc (09022015). Collection method: clinical testing. Allele origin: germline.

Blueprint Genetics
Classification: Likely benign. Last evaluated: 2024-08-08. Review status: criteria provided, single submitter. Criteria: ACMG Guidelines, 2015. Collection method: clinical testing. Allele origin: germline.

Illumina Laboratory Services, Illumina
Classification: Likely benign for Congenital stationary night blindness 1C. Last evaluated: 2018-01-13. Review status: criteria provided, single submitter. Criteria: ICSL Variant Classification Criteria 13 December 2019. Collection method: clinical testing. Allele origin: germline.
Comment: This variant was observed in the ICSL laboratory as part of a predisposition screen in an ostensibly healthy population. It had not been previously curated by ICSL or reported in the Human Gene Mutation Database (HGMD: prior to June 1st, 2018), and was therefore a candidate for classification through an automated scoring system. Utilizing variant allele frequency, disease prevalence and penetrance estimates, and inheritance mode, an automated score was calculated to assess if this variant is too frequent to cause the disease. Based on the score and internal cut-off values, a variant classified as likely benign is not then subjected to further curation. The score for this variant resulted in a classification of likely benign for this disease.